The following is an entry in ClinVar:

NM_022168.4(IFIH1):c.1352A>G (p.Glu451Gly)

Gene: IFIH1 (interferon induced with helicase C domain 1; minus strand). Cytogenetic location: 2q24.2.
Variant type: single nucleotide variant.
Coding change: c.1352A>G on transcript NM_022168.4 (MANE Select); coding-DNA position 1352, A replaced by G.
Protein change: p.Glu451Gly; replaces glutamic acid 451 with glycine.
Molecular consequence: missense variant.
Genome position (GRCh38, 1-based): chr2:162,281,500, T>C on the plus strand (A>G on the coding strand, the complement: IFIH1 is on the minus strand). VCF-style: chr2-162281500-T-C. GRCh37 (hg19) VCF-style: chr2-163138010-T-C.
Other names: short protein forms E451G.
Identifiers: ClinVar variation 4789319 (VCV004789319.1).
Genomic context (GRCh38, chr2:162,281,500, plus strand): 5'-AGTCTATTGTTTTTCAACTTCTGCATCAAATAATGCCTCATGATGTTATTATACACTGCT[T>C]CTTTGTTGGTGTGATGACATTCATCAATGATAATGAGGGAAAAGTCTTAAAAGAAAATTC-3'
Protein context (NP_071451.2, residues 441-461): IIDECHHTNK[Glu451Gly]AVYNNIMRHY

ClinVar aggregate classification (germline): Uncertain significance (1 of 4 stars; one submission).

Conditions:
Singleton-Merten syndrome 1 (SGMRT1). Also called: Widened medullary cavities of bone, aortic calcification, abnormal dentition, and muscular weakness; Syndrome of widened medullary cavities of the metacarpals and phalanges, aortic calcification and abnormal dentition. Identifiers: Orphanet 85191, MedGen C4225427, MONDO:0024535, OMIM 182250.
Aicardi-Goutieres syndrome 7 (AGS7). Identifiers: Orphanet 51, MedGen C3888244, MONDO:0014367, OMIM 615846.

Submission:

Labcorp Genetics (formerly Invitae), Labcorp
Classification: Uncertain significance for Aicardi-Goutieres syndrome 7; Singleton-Merten syndrome 1. Last evaluated: 2025-12-30. Review status: criteria provided, single submitter. Criteria: Invitae Variant Classification Sherloc (09022015). Collection method: clinical testing. Allele origin: germline.
Comment: This sequence change replaces glutamic acid, which is acidic and polar, with glycine, which is neutral and non-polar, at codon 451 of the IFIH1 protein (p.Glu451Gly). This variant is not present in population databases (gnomAD no frequency). This variant has not been reported in the literature in individuals affected with IFIH1-related conditions. Invitae Evidence Modeling of protein sequence and biophysical properties (such as structural, functional, and spatial information, amino acid conservation, physicochemical variation, residue mobility, and thermodynamic stability) has been performed for this missense variant. However, the output from this modeling did not meet the statistical confidence thresholds required to predict the impact of this variant on IFIH1 protein function. In summary, the available evidence is currently insufficient to determine the role of this variant in disease. Therefore, it has been classified as a Variant of Uncertain Significance.